The following is an entry in ClinVar:

NM_014974.3(DIP2C):c.165C>A (p.Asp55Glu)

Gene: DIP2C (DIP2 acetate--CoA ligase C (putative); minus strand). Cytogenetic location: 10p15.3.
Variant type: single nucleotide variant.
Coding change: c.165C>A on transcript NM_014974.3 (MANE Select); coding-DNA position 165, C replaced by A.
Protein change: p.Asp55Glu; replaces aspartic acid 55 with glutamic acid.
Molecular consequence: missense variant.
Genome position (GRCh38, 1-based): chr10:472,542, G>T on the plus strand (C>A on the coding strand, the complement: DIP2C is on the minus strand). VCF-style: chr10-472542-G-T. GRCh37 (hg19) VCF-style: chr10-518482-G-T.
Other names: short protein forms D55E.
Identifiers: ClinVar variation 2715966 (VCV002715966.3), dbSNP rs777928346, ClinGen allele CA375837006.

ClinVar aggregate classification (germline): Uncertain significance (1 of 4 stars; one submission).

Allele frequency attached by ClinVar (database versions not stated): TOPMed 0.00001.
gnomAD v4.1: 9 of 1,613,870 alleles (0.00056%); highest among the groups gnomAD compares: African/African-American, 0.012%; no homozygotes.

Submission:

Labcorp Genetics (formerly Invitae), Labcorp
Classification: Uncertain significance. Last evaluated: 2023-12-24. Review status: criteria provided, single submitter. Criteria: Invitae Variant Classification Sherloc (09022015). Collection method: clinical testing. Allele origin: germline.
Comment: This sequence change replaces aspartic acid, which is acidic and polar, with glutamic acid, which is acidic and polar, at codon 55 of the DIP2C protein (p.Asp55Glu). This variant is present in population databases (no rsID available, gnomAD 0.008%). This variant has not been reported in the literature in individuals affected with DIP2C-related conditions. An algorithm developed to predict the effect of missense changes on protein structure and function (PolyPhen-2) suggests that this variant is likely to be tolerated. In summary, the available evidence is currently insufficient to determine the role of this variant in disease. Therefore, it has been classified as a Variant of Uncertain Significance.